The following is an entry in ClinVar:

ClinVar aggregate classification (germline): Uncertain significance (1 of 4 stars; one submission).

Conditions:
Myasthenic syndrome, congenital, 22 (CMS22). Also called: PREPL DEFICIENCY. Identifiers: MedGen C4479088, MONDO:0044299, OMIM 616224.

Allele frequency attached by ClinVar (database versions not stated): gnomAD exomes 0.00001 and below 0.00001; ExAC 0.00001.
gnomAD v4.1: 2 of 1,614,024 alleles (0.00012%); highest among the groups gnomAD compares: South Asian, 0.0022%; no homozygotes.

Submission:

Labcorp Genetics (formerly Invitae), Labcorp
Classification: Uncertain significance for Myasthenic syndrome, congenital, 22. Last evaluated: 2017-11-19. Review status: criteria provided, single submitter. Criteria: Invitae Variant Classification Sherloc (09022015). Collection method: clinical testing. Allele origin: germline.
Comment: This sequence change replaces methionine with isoleucine at codon 484 of the PREPL protein (p.Met484Ile). The methionine residue is moderately conserved and there is a small physicochemical difference between methionine and isoleucine. This variant is present in population databases (rs762704106, ExAC 0.006%). This variant has not been reported in the literature in individuals with PREPL-related disease. Algorithms developed to predict the effect of missense changes on protein structure and function output the following: SIFT: "Tolerated"; PolyPhen-2: "Benign"; Align-GVGD: "Class C0". The isoleucine amino acid residue is found in multiple mammalian species, suggesting that this missense change does not adversely affect protein function. These predictions have not been confirmed by published functional studies and their clinical significance is uncertain. In summary, the available evidence is currently insufficient to determine the role of this variant in disease. Therefore, it has been classified as a Variant of Uncertain Significance.

NM_001171613.2(PREPL):c.1185G>A (p.Met395Ile)

Gene: PREPL (prolyl endopeptidase like; minus strand). Cytogenetic location: 2p21.
Variant type: single nucleotide variant.
Coding change: c.1185G>A on transcript NM_001171613.2 (MANE Select); coding-DNA position 1185, G replaced by A.
Protein change: p.Met395Ile; replaces methionine 395 with isoleucine.
Molecular consequence: missense variant.
Genome position (GRCh38, 1-based): chr2:44,329,014, C>T on the plus strand (G>A on the coding strand, the complement: PREPL is on the minus strand). VCF-style: chr2-44329014-C-T. GRCh37 (hg19) VCF-style: chr2-44556153-C-T.
Other names: c.1266G>A, p.Met422Ile (NM_001042385.2); c.1254G>A, p.Met418Ile (NM_001042386.2); c.1452G>A, p.Met484Ile (NM_001171603.1, NM_001171606.2, NM_001374275.1 and 2 more transcripts); c.1185G>A, p.Met395Ile (NM_001171617.1, NM_001374277.1); short protein forms M484I, M395I, M422I, M418I.
Identifiers: ClinVar variation 544538 (VCV000544538.8), dbSNP rs762704106, ClinGen allele CA1641206.